The following is an entry in ClinVar:

NM_004304.5(ALK):c.53C>A (p.Ala18Asp)

Gene: ALK (ALK receptor tyrosine kinase; minus strand). Cytogenetic location: 2p23.1.
Variant type: single nucleotide variant.
Coding change: c.53C>A on transcript NM_004304.5 (MANE Select); coding-DNA position 53, C replaced by A.
Protein change: p.Ala18Asp; replaces alanine 18 with aspartic acid.
Molecular consequence: missense variant.
Genome position (GRCh38, 1-based): chr2:29,920,607, G>T on the plus strand (C>A on the coding strand, the complement: ALK is on the minus strand). VCF-style: chr2-29920607-G-T. GRCh37 (hg19) VCF-style: chr2-30143473-G-T.
Other names: c.53C>A (NM_004304.4); short protein forms A18D.
Identifiers: ClinVar variation 3630155 (VCV003630155.3).

ClinVar aggregate classification (germline): Uncertain significance. Review status: criteria provided, multiple submitters, no conflicts (2 of 4 stars). 2 submissions from 2 submitters: Uncertain significance (2). Last evaluated 2025-11-19.

Conditions:
Hereditary cancer-predisposing syndrome. Also called: Hereditary Cancer Syndrome; Hereditary neoplastic syndrome; Neoplastic Syndromes, Hereditary; Tumor predisposition. Identifiers: Orphanet 140162, MedGen C0027672, MeSH D009386, MONDO:0015356.
Neuroblastoma, susceptibility to, 3. Also called: ALK-Related Neuroblastic Tumor Susceptibility. Identifiers: Orphanet 635, MedGen C2751681, MONDO:0013083, OMIM 613014.

Submissions (2):

Ambry Genetics
Classification: Uncertain significance for Hereditary cancer-predisposing syndrome. Last evaluated: 2025-11-19. Review status: criteria provided, single submitter. Criteria: Ambry Variant Classification Scheme 2023. Collection method: clinical testing. Allele origin: germline.
Comment: The p.A18D variant (also known as c.53C>A), located in coding exon 1 of the ALK gene, results from a C to A substitution at nucleotide position 53. The alanine at codon 18 is replaced by aspartic acid, an amino acid with dissimilar properties. This amino acid position is conserved. In addition, the in silico prediction for this alteration is inconclusive. Based on the available evidence, the clinical significance of this variant remains unclear.

Labcorp Genetics (formerly Invitae), Labcorp
Classification: Uncertain significance for Neuroblastoma, susceptibility to, 3. Last evaluated: 2025-01-11. Review status: criteria provided, single submitter. Criteria: Invitae Variant Classification Sherloc (09022015). Collection method: clinical testing. Allele origin: germline.
Comment: This sequence change replaces alanine, which is neutral and non-polar, with aspartic acid, which is acidic and polar, at codon 18 of the ALK protein (p.Ala18Asp). This variant is not present in population databases (gnomAD no frequency). This variant has not been reported in the literature in individuals affected with ALK-related conditions. An algorithm developed to predict the effect of missense changes on protein structure and function (PolyPhen-2) suggests that this variant is likely to be tolerated. In summary, the available evidence is currently insufficient to determine the role of this variant in disease. Therefore, it has been classified as a Variant of Uncertain Significance.